The following is an entry in ClinVar:

ClinVar aggregate classification (germline): Pathogenic/Likely pathogenic. Review status: criteria provided, multiple submitters, no conflicts (2 of 4 stars). 6 submissions from 6 submitters: Pathogenic (4); Likely pathogenic (2). Last evaluated 2025-06-16.

Conditions:
Hereditary cancer-predisposing syndrome. Also called: Tumor predisposition; Hereditary neoplastic syndrome; Hereditary Cancer Syndrome; Neoplastic Syndromes, Hereditary. Identifiers: Orphanet 140162, MedGen C0027672, MeSH D009386, MONDO:0015356.
Hereditary breast ovarian cancer syndrome. Also called: Hereditary breast and/or ovarian cancer syndrome; Breast and ovarian cancer; Hereditary breast and ovarian cancer syndrome; Hereditary breast and ovarian cancer; Hereditary breast and ovarian cancer syndrome (HBOC); BRCA1- and BRCA2-Associated Hereditary Breast and Ovarian Cancer. Identifiers: Orphanet 145, MedGen C0677776, MeSH D061325, MONDO:0003582. Disease mechanism: loss of function.
Breast-ovarian cancer, familial, susceptibility to, 1 (BROVCA1). Also called: BRCA1 Hereditary Breast and Ovarian Cancer; OVARIAN CANCER, SUSCEPTIBILITY TO. Identifiers: Orphanet 145, MedGen C2676676, MONDO:0011450, OMIM 604370. Disease mechanism: loss of function.

Submissions (7):

Ambry Genetics
Classification: Pathogenic for Hereditary cancer-predisposing syndrome. Last evaluated: 2025-06-16. Review status: criteria provided, single submitter. Criteria: Ambry Variant Classification Scheme 2023. Collection method: clinical testing. Allele origin: germline.
Comment: The c.81-2A>C intronic pathogenic mutation results from an A to C substitution two nucleotides upstream from coding exon 2 in the BRCA1 gene. In silico splice site analysis predicts that this alteration will weaken the native splice acceptor site and may result in the creation or strengthening of a novel splice acceptor site. The stop codon in the predicted resulting transcript occurs in the 5' end ofthe BRCA1 gene. As such, this alteration may escape nonsense-mediated mRNAdecay and/or be prone to rescue by reinitiation (Rivas et al. Science. 2015 May 8;348(6235):666-9; Lindeboom et al. Nat Genet. 2016 Oct;48(10):1112-8; Rhee et al. Sci Rep. 2017 May 10;7(1):1653). The exact functional effect of this alteration is unknown; however, the region predicted to be impacted is critical for protein function and a significant portion of the protein is affected (Ambry internal data). One functional study found that this nucleotide substitution is non-functional in a high throughput genome editing haploid cell survival assay (Findlay GM et al. Nature, 2018 Oct;562:217-222). This variant is considered to be rare based on population cohorts in the Genome Aggregation Database (gnomAD). This nucleotide position is highly conserved in available vertebrate species. Based on the supporting evidence, this variant is interpreted as a disease-causing mutation.

Labcorp Genetics (formerly Invitae), Labcorp
Classification: Pathogenic for Hereditary breast ovarian cancer syndrome. Last evaluated: 2023-11-28. Review status: criteria provided, single submitter. Criteria: Invitae Variant Classification Sherloc (09022015). Collection method: clinical testing. Allele origin: germline.
Comment: This sequence change affects an acceptor splice site in intron 2 of the BRCA1 gene. It is expected to disrupt RNA splicing. Variants that disrupt the donor or acceptor splice site typically lead to a loss of protein function (PMID: 16199547), and loss-of-function variants in BRCA1 are known to be pathogenic (PMID: 20104584). This variant is not present in population databases (gnomAD no frequency). Disruption of this splice site has been observed in individual(s) with breast cancer (PMID: 30078507). ClinVar contains an entry for this variant (Variation ID: 136092). Algorithms developed to predict the effect of variants on protein structure and function are not available or were not evaluated for this variant. Experimental studies have shown that disruption of this splice site affects BRCA1 function (PMID: 30209399). Algorithms developed to predict the effect of sequence changes on RNA splicing suggest that this variant may disrupt the consensus splice site. For these reasons, this variant has been classified as Pathogenic.

Revvity Omics, Revvity
Classification: Likely pathogenic. Last evaluated: 2022-10-28. Review status: criteria provided, single submitter. Criteria: ACMG Guidelines, 2015. Collection method: clinical testing. Allele origin: germline.

Baylor Genetics
Classification: Pathogenic for Breast-ovarian cancer, familial, susceptibility to, 1. Last evaluated: 2021-11-07. Review status: criteria provided, single submitter. Criteria: ACMG Guidelines, 2015. Collection method: clinical testing. Allele origin: unknown.

Color Diagnostics, LLC DBA Color Health
Classification: Likely pathogenic for Hereditary cancer-predisposing syndrome. Last evaluated: 2020-08-18. Review status: criteria provided, single submitter. Criteria: ACMG Guidelines, 2015. Collection method: clinical testing. Allele origin: germline.
Comment: This variant causes an A to C nucleotide substitution at the -2 position of intron 2 splice acceptor site of the BRCA1 gene. Splice site prediction tools predict that this variant may have a significant impact on RNA splicing. Although functional studies have not been reported for this variant, it is expected to result in an absent or non-functional protein product. This variant has been reported in an individual affected with ovarian cancer (PMID: 30078507). This variant has not been identified in the general population by the Genome Aggregation Database (gnomAD). Different variants affecting the same splice acceptor site, such as c.81-1G>A and c.81-2del, are known to be disease-causing (Clinvar variation ID: 91668 and 55717). Loss of BRCA1 function is a known mechanism of disease. Based on the available evidence, this variant is classified as Likely Pathogenic.

Quest Diagnostics Nichols Institute San Juan Capistrano
Classification: Pathogenic. Last evaluated: 2019-04-25. Review status: criteria provided, single submitter. Criteria: Quest Diagnostics criteria. Collection method: clinical testing. Allele origin: germline.
Comment: The variant disrupts a canonical splice site, and is therefore predicted to result in the loss of a functional protein. Found in at least one symptomatic patient, and not found in general population data.

Brotman Baty Institute, University of Washington
No classification provided (evidence only). Condition: Breast-ovarian cancer, familial 1. Review status: no classification provided. Collection method: in vitro. Allele origin: not applicable. Functional consequence: functionally_abnormal. Not counted in ClinVar's aggregate classification.
ClinVar note: "not provided" was previously submitted as the classification for the variant. However, the classification appeared to be based only on an observation of functional data so it was converted to no classification on 2025-07-30.

Literature cited by the submitters: PubMed 30209399 (cited by Ambry Genetics and Labcorp Genetics (formerly Invitae), Labcorp); PubMed 16199547 (cited by Labcorp Genetics (formerly Invitae), Labcorp); PubMed 20104584 (cited by Labcorp Genetics (formerly Invitae), Labcorp); PubMed 30078507 (cited by Labcorp Genetics (formerly Invitae), Labcorp and Quest Diagnostics Nichols Institute San Juan Capistrano).

NM_007294.4(BRCA1):c.81-2A>C

Gene: BRCA1 (BRCA1 DNA repair associated; minus strand). Cytogenetic location: 17q21.31.
Variant type: single nucleotide variant.
Coding change: c.81-2A>C on transcript NM_007294.4 (MANE Select); the canonical splice acceptor site of the intron before coding-DNA position 81, A replaced by C.
Molecular consequence: splice acceptor variant. On other transcripts: intron variant (41).
Genome position (GRCh38, 1-based): chr17:43,115,781, T>G on the plus strand (A>C on the coding strand, the complement: BRCA1 is on the minus strand). VCF-style: chr17-43115781-T-G. GRCh37 (hg19) VCF-style: chr17-41267798-T-G.
Other names: c.81-2A>C (NM_001408422.1, NM_001407874.1, NM_001408416.1 and 191 more transcripts); c.-177-2A>C (NM_001407727.1, NM_001407930.1, NM_001407843.1 and 13 more transcripts); c.-108-2A>C (NM_001407896.1, NM_001407952.1, NM_001407571.1 and 52 more transcripts); c.-224-2A>C (NM_001407900.1, NM_001408492.1, NM_001407889.1); c.-57-2A>C (NM_001407841.1); c.-339-2A>C (NM_001407965.1); c.-181-2A>C (NM_001408465.1, NM_001407695.1); c.-61-2A>C (NM_001407920.1, NM_001408504.1, NM_001408463.1 and 47 more transcripts); and 10 more.
Identifiers: ClinVar variation 136092 (VCV000136092.17), dbSNP rs397509326, ClinGen allele CA003911.